The following is an entry in ClinVar:

ClinVar aggregate classification (germline): Likely pathogenic (1 of 4 stars; one submission).

Submission:

Labcorp Genetics (formerly Invitae), Labcorp
Classification: Likely pathogenic. Last evaluated: 2024-01-10. Review status: criteria provided, single submitter. Criteria: Invitae Variant Classification Sherloc (09022015). Collection method: clinical testing. Allele origin: germline.
Comment: This variant results in the deletion of part of exon 29 of the PCNT gene. It is expected to disrupt RNA splicing. Variants that disrupt the donor or acceptor splice site typically lead to a loss of protein function (PMID: 16199547), and loss-of-function variants in PCNT are known to be pathogenic (PMID: 18174396, 22821869). This variant is not present in population databases (gnomAD no frequency). This variant has not been reported in the literature in individuals affected with PCNT-related conditions. In summary, the currently available evidence indicates that the variant is pathogenic, but additional data are needed to prove that conclusively. Therefore, this variant has been classified as Likely Pathogenic.

Literature cited by the submitters: PubMed 16199547; PubMed 18174396; PubMed 22821869.

NM_006031.6(PCNT):c.6145_6150+54del

Gene: PCNT (pericentrin; plus strand). Cytogenetic location: 21q22.3.
Variant type: Deletion.
Coding change: c.6145_6150+54del on transcript NM_006031.6 (MANE Select); coding-DNA position 6145 through 54 bases into the intron after coding-DNA position 6150, 60 bases deleted.
Molecular consequence: splice donor variant.
Genome position (GRCh38, 1-based): chr21:46,412,987-46,413,046, 60 bases deleted. GRCh37 (hg19): chr21:47,832,901-47,832,960.
Other names: c.5791_5796+54del (NM_001315529.2).
Identifiers: ClinVar variation 2706269 (VCV002706269.3), dbSNP rs2086840439, ClinGen allele CA10080212.